The following is an entry in ClinVar:

ClinVar aggregate classification (germline): Pathogenic (1 of 4 stars; one submission).

Submission:

Labcorp Genetics (formerly Invitae), Labcorp
Classification: Pathogenic. Last evaluated: 2022-06-27. Review status: criteria provided, single submitter. Criteria: Invitae Variant Classification Sherloc (09022015). Collection method: clinical testing. Allele origin: germline.
Comment: This sequence change creates a premature translational stop signal (p.Ser85Leufs*159) in the ADAMTS19 gene. It is expected to result in an absent or disrupted protein product. Loss-of-function variants in ADAMTS19 are known to be pathogenic (PMID: 31844321, 32323311). This variant is not present in population databases (gnomAD no frequency). This variant has not been reported in the literature in individuals affected with ADAMTS19-related conditions. For these reasons, this variant has been classified as Pathogenic.

Literature cited by the submitters: PubMed 31844321; PubMed 32323311.

NM_133638.6(ADAMTS19):c.270del (p.Ser91fs)

Gene: ADAMTS19 (ADAM metallopeptidase with thrombospondin type 1 motif 19; plus strand). Cytogenetic location: 5q23.3.
Variant type: Deletion.
Coding change: c.270del on transcript NM_133638.6 (MANE Select); coding-DNA position 270, one base deleted (C; older notation c.270delC).
Protein change: p.Ser91fs; shifts the reading frame from serine 91.
Molecular consequence: frameshift variant.
Genome position (GRCh38, 1-based): chr5:129,461,280, C deleted. VCF-style (leftmost placement, unchanged base first): chr5-129461279-GC-G. GRCh37 (hg19) VCF-style: chr5-128796972-GC-G.
Other names: short protein forms S91fs.
Identifiers: ClinVar variation 2050921 (VCV002050921.1), dbSNP rs2479600850, ClinGen allele CA2580072610.